The following is an entry in ClinVar:

ClinVar aggregate classification (germline): Uncertain significance (1 of 4 stars; one submission).

Allele frequency attached by ClinVar (database versions not stated): gnomAD 0.00001; gnomAD exomes 0.00001 and 0.00004; TOPMed 0.00001; ExAC 0.00004.
gnomAD v4.1: 16 of 1,614,018 alleles (0.00099%); highest among the groups gnomAD compares: South Asian, 0.0011%; no homozygotes.

Submission:

Labcorp Genetics (formerly Invitae), Labcorp
Classification: Uncertain significance. Last evaluated: 2019-09-09. Review status: criteria provided, single submitter. Criteria: Invitae Variant Classification Sherloc (09022015). Collection method: clinical testing. Allele origin: germline.
Comment: In summary, the available evidence is currently insufficient to determine the role of this variant in disease. Therefore, it has been classified as a Variant of Uncertain Significance. Algorithms developed to predict the effect of missense changes on protein structure and function output the following: SIFT: "Tolerated"; PolyPhen-2: "Benign"; Align-GVGD: "Class C0". The threonine amino acid residue is found in multiple mammalian species, suggesting that this missense change does not adversely affect protein function. These predictions have not been confirmed by published functional studies and their clinical significance is uncertain. This variant has not been reported in the literature in individuals with PCARE-related conditions. This variant is present in population databases (rs781609460, ExAC 0.006%). This sequence change replaces serine with threonine at codon 791 of the PCARE protein (p.Ser791Thr). The serine residue is moderately conserved and there is a small physicochemical difference between serine and threonine.

NM_001029883.3(PCARE):c.2371T>A (p.Ser791Thr)

Gene: PCARE (photoreceptor cilium actin regulator; minus strand). Cytogenetic location: 2p23.2.
Variant type: single nucleotide variant.
Coding change: c.2371T>A on transcript NM_001029883.3 (MANE Select); coding-DNA position 2371, T replaced by A.
Protein change: p.Ser791Thr; replaces serine 791 with threonine.
Molecular consequence: missense variant.
Genome position (GRCh38, 1-based): chr2:29,071,891, A>T on the plus strand (T>A on the coding strand, the complement: PCARE is on the minus strand). VCF-style: chr2-29071891-A-T. GRCh37 (hg19) VCF-style: chr2-29294757-A-T.
Other names: short protein forms S791T.
Identifiers: ClinVar variation 958449 (VCV000958449.9), dbSNP rs781609460, ClinGen allele CA1592215.